The following is an entry in ClinVar:

NM_002161.6(IARS1):c.3563T>C (p.Met1188Thr)

Gene: IARS1 (isoleucyl-tRNA synthetase 1; minus strand). Cytogenetic location: 9q22.31.
Variant type: single nucleotide variant.
Coding change: c.3563T>C on transcript NM_002161.6 (MANE Select); coding-DNA position 3563, T replaced by C.
Protein change: p.Met1188Thr; replaces methionine 1188 with threonine.
Molecular consequence: missense variant. On other transcripts: non-coding transcript variant (1), intron variant (1).
Genome position (GRCh38, 1-based): chr9:92,222,663, A>G on the plus strand (T>C on the coding strand, the complement: IARS1 is on the minus strand). VCF-style: chr9-92222663-A-G. GRCh37 (hg19) VCF-style: chr9-94984945-A-G.
Other names: c.3488T>C, p.Met1163Thr (NM_001374299.1, NM_001374300.1); c.3479T>C, p.Met1160Thr (NM_001374301.1); c.3626T>C, p.Met1209Thr (NM_001378569.1); c.3584T>C, p.Met1195Thr (NM_001378571.1, NM_001378572.1); c.3563T>C, p.Met1188Thr (NM_001378573.1, NM_001378574.1, NM_001378575.1 and 2 more transcripts); c.3521T>C, p.Met1174Thr (NM_001378577.1); c.3503T>C, p.Met1168Thr (NM_001378578.1, NM_001378579.1, NM_001378580.1); c.3467T>C, p.Met1156Thr (NM_001378582.1); and 5 more; short protein forms M1140T, M1143T, M1147T, M1156T, M1160T, M1163T, M1168T, M1174T.
Identifiers: ClinVar variation 1806087 (VCV001806087.4), dbSNP rs201071417, ClinGen allele CA5121813.
Genomic context (GRCh38, chr9:92,222,663, plus strand): 5'-TGGTGGGTGAGTCCATTCTGCCCAAGTGGGTTTTCAAGCAGGAGAGTGCCCACTGTCCCC[A>G]TTAAACACTCTGTGGAAGACAGAACAAACTGGATTAAATCTCGAGAGTTCACCCTCTAGC-3'
Protein context (NP_002152.2, residues 1178-1198): LLNAKPQECL[Met1188Thr]GTVGTLLLEN

ClinVar aggregate classification (germline): Uncertain significance. Review status: criteria provided, multiple submitters, no conflicts (2 of 4 stars). 3 submissions from 3 submitters: Uncertain significance (3). Last evaluated 2022-11-14.

Conditions:
Growth retardation, intellectual developmental disorder, hypotonia, and hepatopathy (GRIDHH). Also called: GROWTH RETARDATION, IMPAIRED INTELLECTUAL DEVELOPMENT, HYPOTONIA, AND HEPATOPATHY. Identifiers: Orphanet 541423, MedGen C4310720, MONDO:0014911, OMIM 617093.

Allele frequency attached by ClinVar (database versions not stated): 1000 Genomes Project 30x 0.00031; ExAC 0.00035; ESP Exome Variant Server 0.00038; 1000 Genomes Project 0.00040; gnomAD 0.00042; gnomAD exomes 0.00045; TOPMed 0.00054.

Submissions (3):

Ambry Genetics
Classification: Uncertain significance. Last evaluated: 2022-11-14. Review status: criteria provided, single submitter. Criteria: Ambry Variant Classification Scheme 2023. Collection method: clinical testing. Allele origin: germline.

Labcorp Genetics (formerly Invitae), Labcorp
Classification: Uncertain significance. Last evaluated: 2022-09-13. Review status: criteria provided, single submitter. Criteria: Invitae Variant Classification Sherloc (09022015). Collection method: clinical testing. Allele origin: germline.
Comment: This sequence change replaces methionine, which is neutral and non-polar, with threonine, which is neutral and polar, at codon 1188 of the IARS protein (p.Met1188Thr). This variant is present in population databases (rs201071417, gnomAD 0.07%), and has an allele count higher than expected for a pathogenic variant. This variant has not been reported in the literature in individuals affected with IARS-related conditions. Algorithms developed to predict the effect of missense changes on protein structure and function output the following: SIFT: "Tolerated"; PolyPhen-2: "Benign"; Align-GVGD: "Class C0". The threonine amino acid residue is found in multiple mammalian species, which suggests that this missense change does not adversely affect protein function. In summary, the available evidence is currently insufficient to determine the role of this variant in disease. Therefore, it has been classified as a Variant of Uncertain Significance.

Victorian Clinical Genetics Services, Murdoch Childrens Research Institute
Classification: Uncertain significance for Growth retardation, intellectual developmental disorder, hypotonia, and hepatopathy. Last evaluated: 2020-10-19. Review status: criteria provided, single submitter. Criteria: ACMG Guidelines, 2015. Collection method: clinical testing. Allele origin: germline. Inheritance: Autosomal recessive inheritance.
Comment: Based on the classification scheme VCGS_Germline_v1.3.3, this variant is classified as 3C-VUS. Following criteria are met: 0102 - Loss of function is a known mechanism of disease in this gene and is associated with growth retardation, impaired intellectual development, hypotonia, and hepatopathy (MIM#617093). (I) 0106 - This gene is associated with autosomal recessive disease. (I) 0200 - Variant is predicted to result in a missense amino acid change from methionine to threonine. (I) 0251 - This variant is heterozygous. (I) 0304 - Variant is present in gnomAD (v2) <0.01 for a recessive condition (130 heterozygotes, 0 homozygotes). (SP) 0503 - Missense variant consistently predicted to be tolerated by multiple in silico tools or not conserved in placental mammals with a minor amino acid change. (SB) 0604 - Variant is not located in an established domain, motif, hotspot or informative constraint region. (I) 0705 - No comparable missense variants have previous evidence for pathogenicity. (I) 0806 - This variant has limited previous evidence of being benign in unrelated individuals. The variant has previously been observed in a patient, however it was discounted due to high population frequency, lack of conservation and an alternative genetic cause was identified (PMID: 24706940). (SB) 0905 - No published segregation evidence has been identified for this variant. (I) 1007 - No published functional evidence has been identified for this variant. (I) 1208 - Inheritance information for this variant is not currently available in this individual. (I) Legend: (SP) - Supporting pathogenic, (I) - Information, (SB) - Supporting benign

Literature cited by the submitters: PubMed 24706940 (cited by Victorian Clinical Genetics Services, Murdoch Childrens Research Institute).